The following is an entry in ClinVar:

ClinVar aggregate classification (germline): Uncertain significance (1 of 4 stars; one submission).

gnomAD v4.1: 5 of 1,612,126 alleles (0.00031%); highest among the groups gnomAD compares: Middle Eastern, 0.016%; no homozygotes.

Submission:

GeneDx
Classification: Uncertain significance. Last evaluated: 2025-03-13. Review status: criteria provided, single submitter. Criteria: GeneDx Variant Classification Process June 2021. Collection method: clinical testing. Allele origin: germline. Affected: yes.
Comment: Not observed at significant frequency in large population cohorts (gnomAD); In silico analysis indicates that this missense variant does not alter protein structure/function; Has not been previously published as pathogenic or benign to our knowledge

NM_031471.6(FERMT3):c.1618A>C (p.Ile540Leu)

Gene: FERMT3 (FERM domain containing kindlin 3; plus strand). Cytogenetic location: 11q13.1.
Variant type: single nucleotide variant.
Coding change: c.1618A>C on transcript NM_031471.6 (MANE Select); coding-DNA position 1618, A replaced by C.
Protein change: p.Ile540Leu; replaces isoleucine 540 with leucine.
Molecular consequence: missense variant.
Genome position (GRCh38, 1-based): chr11:64,221,088, A>C. VCF-style: chr11-64221088-A-C. GRCh37 (hg19) VCF-style: chr11-63988560-A-C.
Other names: c.1618A>C, p.Ile540Leu (NM_001382361.1, NM_001382448.1); c.1630A>C, p.Ile544Leu (NM_001382362.1, NM_178443.3); c.1078A>C, p.Ile360Leu (NM_001382363.1); c.1090A>C, p.Ile364Leu (NM_001382364.1); short protein forms I360L, I364L, I540L, I544L.
Identifiers: ClinVar variation 4083096 (VCV004083096.1).